The following is an entry in ClinVar:

ClinVar aggregate classification (germline): Uncertain significance (1 of 4 stars; one submission).

gnomAD v4.1: 4 of 1,613,876 alleles (0.00025%); highest among the groups gnomAD compares: South Asian, 0.0044%; no homozygotes.

Submission:

GeneDx
Classification: Uncertain significance. Last evaluated: 2024-11-20. Review status: criteria provided, single submitter. Criteria: GeneDx Variant Classification Process June 2021. Collection method: clinical testing. Allele origin: germline. Affected: yes.
Comment: Has not been previously published as pathogenic or benign to our knowledge; Not observed at significant frequency in large population cohorts (gnomAD); In silico analysis indicates that this variant does not alter splicing

NM_001098.3(ACO2):c.1752C>T (p.Ile584=)

Gene: ACO2 (aconitase 2; plus strand). Cytogenetic location: 22q13.2.
Variant type: single nucleotide variant.
Coding change: c.1752C>T on transcript NM_001098.3 (MANE Select); coding-DNA position 1752, C replaced by T.
Protein change: p.Ile584=; no amino-acid change (isoleucine 584 retained).
Molecular consequence: synonymous variant.
Genome position (GRCh38, 1-based): chr22:41,525,339, C>T. VCF-style: chr22-41525339-C-T. GRCh37 (hg19) VCF-style: chr22-41921343-C-T.
Identifiers: ClinVar variation 3900368 (VCV003900368.1).